The following is an entry in ClinVar:

ClinVar aggregate classification (germline): Uncertain significance (1 of 4 stars; one submission).

Conditions:
Epileptic encephalopathy. Identifiers: MedGen C0543888, HP:0200134.

Submission:

Labcorp Genetics (formerly Invitae), Labcorp
Classification: Uncertain significance for Epileptic encephalopathy. Last evaluated: 2023-08-02. Review status: criteria provided, single submitter. Criteria: Invitae Variant Classification Sherloc (09022015). Collection method: clinical testing. Allele origin: germline.
Comment: In summary, the available evidence is currently insufficient to determine the role of this variant in disease. Therefore, it has been classified as a Variant of Uncertain Significance. Variants that disrupt the consensus splice site are a relatively common cause of aberrant splicing (PMID: 17576681, 9536098). Algorithms developed to predict the effect of sequence changes on RNA splicing suggest that this variant is not likely to affect RNA splicing. This variant has not been reported in the literature in individuals affected with GABBR2-related conditions. This variant is not present in population databases (gnomAD no frequency). This sequence change falls in intron 14 of the GABBR2 gene. It does not directly change the encoded amino acid sequence of the GABBR2 protein. It affects a nucleotide within the consensus splice site.

Literature cited by the submitters: PubMed 17576681; PubMed 9536098.

NM_005458.8(GABBR2):c.2004+4G>A

Gene: GABBR2 (gamma-aminobutyric acid type B receptor subunit 2; minus strand). Cytogenetic location: 9q22.33.
Variant type: single nucleotide variant.
Coding change: c.2004+4G>A on transcript NM_005458.8 (MANE Select); 4 bases into the intron after coding-DNA position 2004, G replaced by A.
Molecular consequence: intron variant.
Genome position (GRCh38, 1-based): chr9:98,311,091, C>T on the plus strand (G>A on the coding strand, the complement: GABBR2 is on the minus strand). VCF-style: chr9-98311091-C-T. GRCh37 (hg19) VCF-style: chr9-101073373-C-T.
Identifiers: ClinVar variation 2965261 (VCV002965261.3), dbSNP rs2491221204, ClinGen allele CA2690934300.